The following is an entry in ClinVar:

ClinVar aggregate classification (germline): Uncertain significance. Review status: criteria provided, multiple submitters, no conflicts (2 of 4 stars). 3 submissions from 3 submitters: Uncertain significance (3). Last evaluated 2026-01-28.

Conditions:
Familial cancer of breast. Also called: Hereditary breast cancer; BREAST CANCER, FAMILIAL; hereditary breast carcinoma. Identifiers: Orphanet 227535, MedGen C0346153, MONDO:0016419, OMIM 114480. Disease mechanism: loss of function.
Ataxia-telangiectasia syndrome (AT). Also called: Ataxia-telangiectasia, complementation group D; AT, COMPLEMENTATION GROUP C; Ataxia telangiectasia (A-T); Cerebello-oculocutaneous telangiectasia; Immunodeficiency with ataxia telangiectasia; ATAXIA-TELANGIECTASIA, COMPLEMENTATION GROUP A. Identifiers: Orphanet 100, MedGen C0004135, MONDO:0008840, OMIM 208900.
Hereditary cancer-predisposing syndrome. Also called: Neoplastic Syndromes, Hereditary; Hereditary neoplastic syndrome; Tumor predisposition; Hereditary Cancer Syndrome. Identifiers: Orphanet 140162, MedGen C0027672, MeSH D009386, MONDO:0015356.

gnomAD v4.1: 2 of 1,613,876 alleles (0.00012%); no homozygotes.

Submissions (3):

Labcorp Genetics (formerly Invitae), Labcorp
Classification: Uncertain significance for Ataxia-telangiectasia syndrome. Last evaluated: 2026-01-28. Review status: criteria provided, single submitter. Criteria: Invitae Variant Classification Sherloc (09022015). Collection method: clinical testing. Allele origin: germline.
Comment: This sequence change replaces threonine, which is neutral and polar, with isoleucine, which is neutral and non-polar, at codon 1662 of the ATM protein (p.Thr1662Ile). This variant is not present in population databases (gnomAD no frequency). This variant has not been reported in the literature in individuals affected with ATM-related conditions. ClinVar contains an entry for this variant (Variation ID: 665332). Invitae Evidence Modeling of protein sequence and biophysical properties (such as structural, functional, and spatial information, amino acid conservation, physicochemical variation, residue mobility, and thermodynamic stability) indicates that this missense variant is not expected to disrupt ATM protein function with a negative predictive value of 95%. In summary, the available evidence is currently insufficient to determine the role of this variant in disease. Therefore, it has been classified as a Variant of Uncertain Significance.

Baylor Genetics
Classification: Uncertain significance for Familial cancer of breast. Last evaluated: 2023-10-11. Review status: criteria provided, single submitter. Criteria: ACMG Guidelines, 2015. Collection method: clinical testing. Allele origin: unknown.

Ambry Genetics
Classification: Uncertain significance for Hereditary cancer-predisposing syndrome. Last evaluated: 2020-04-17. Review status: criteria provided, single submitter. Criteria: Ambry Variant Classification Scheme 2023. Collection method: clinical testing. Allele origin: germline.
Comment: The p.T1662I variant (also known as c.4985C>T), located in coding exon 32 of the ATM gene, results from a C to T substitution at nucleotide position 4985. The threonine at codon 1662 is replaced by isoleucine, an amino acid with similar properties. This amino acid position is not well conserved in available vertebrate species. In addition, this alteration is predicted to be tolerated by in silico analysis. Since supporting evidence is limited at this time, the clinical significance of this alteration remains unclear.

NM_000051.4(ATM):c.4985C>T (p.Thr1662Ile)

Gene: ATM (ATM serine/threonine kinase; plus strand). Cytogenetic location: 11q22.3.
Variant type: single nucleotide variant.
Coding change: c.4985C>T on transcript NM_000051.4 (MANE Select); coding-DNA position 4985, C replaced by T.
Protein change: p.Thr1662Ile; replaces threonine 1662 with isoleucine.
Molecular consequence: missense variant.
Genome position (GRCh38, 1-based): chr11:108,297,362, C>T. VCF-style: chr11-108297362-C-T. GRCh37 (hg19) VCF-style: chr11-108168089-C-T.
Other names: c.4985C>T, p.Thr1662Ile (NM_001351834.2); short protein forms T1662I.
Identifiers: ClinVar variation 665332 (VCV000665332.12), dbSNP rs1591692969, ClinGen allele CA382538492.